The following is an entry in ClinVar:

NM_014727.3(KMT2B):c.7549C>T (p.Arg2517Trp)

Gene: KMT2B (lysine methyltransferase 2B; plus strand). Cytogenetic location: 19q13.12.
Variant type: single nucleotide variant.
Coding change: c.7549C>T on transcript NM_014727.3 (MANE Select); coding-DNA position 7549, C replaced by T.
Protein change: p.Arg2517Trp; replaces arginine 2517 with tryptophan.
Molecular consequence: missense variant.
Genome position (GRCh38, 1-based): chr19:35,737,262, C>T. VCF-style: chr19-35737262-C-T. GRCh37 (hg19) VCF-style: chr19-36228163-C-T.
Other names: NM_014727.2:n.7549C>T(p.Arg2517Trp); short protein forms R2517W.
Identifiers: ClinVar variation 374877 (VCV000374877.3), dbSNP rs1057519285, ClinGen allele CA16043953.
Genomic context (GRCh38, chr19:35,737,262, plus strand): 5'-GAGGGCCAGGAGGAGCCGCCCCTGAATCCCCATGGGGCTGCTCGGGCAGAGGTCTATCTC[C>T]GGTGAGAGGTCTGGGGTGTGATGCCTGGGTCAGGGCGCCCCTATGAGAGCTCTTGAGGGT-3'
Protein context (NP_055542.1, residues 2507-2527): HGAARAEVYL[Arg2517Trp]KCTFDMFNFL

ClinVar aggregate classification (germline): Conflicting classifications of pathogenicity. Review status: criteria provided, conflicting classifications (1 of 4 stars). 3 submissions from 3 submitters: Likely pathogenic (1); Uncertain significance (1). 1 of the submissions does not count toward it. Last evaluated 2025-03-13.

Conditions:
Dystonia 28, childhood-onset (DYT28). Also called: KMT2B-Related Dystonia (DYT-KMT2B). Identifiers: Orphanet 589618, MedGen C4310633, MONDO:0015004, OMIM 617284.

Submissions (3):

GeneDx
Classification: Likely pathogenic. Last evaluated: 2025-03-13. Review status: criteria provided, single submitter. Criteria: GeneDx Variant Classification Process June 2021. Collection method: clinical testing. Allele origin: germline. Affected: yes.
Comment: Not observed at significant frequency in large population cohorts (gnomAD); In silico analysis supports that this missense variant has a deleterious effect on protein structure/function; This variant is associated with the following publications: (PMID: 39418857, 27992417)

SIB Swiss Institute of Bioinformatics
Classification: Uncertain significance for Dystonia 28, childhood-onset. Last evaluated: 2018-04-16. Review status: criteria provided, single submitter. Criteria: ACMG Guidelines, 2015. Collection method: curation. Allele origin: germline.
Comment: This variant is interpreted as a Uncertain Significance, for Dystonia 28, childhood-onset, Autosomal Dominant inheritance. The following ACMG Tag(s) were applied: PM2 => Absent from controls (or at extremely low frequency if recessive) in Exome Sequencing Project, 1000 Genomes Project, or Exome Aggregation Consortium. PP3 => Multiple lines of computational evidence support a deleterious effect on the gene or gene product. PM6 => Assumed de novo, but without confirmation of paternity and maternity (PMID:27992417).

OMIM
Classification: Pathogenic for DYSTONIA 28, CHILDHOOD-ONSET. Last evaluated: 2017-02-01. Review status: no assertion criteria provided. Collection method: literature only. Allele origin: germline. Not counted in ClinVar's aggregate classification.

Literature cited by the submitters: PubMed 27992417 (cited by SIB Swiss Institute of Bioinformatics and OMIM).